The following is an entry in ClinVar:

ClinVar aggregate classification (germline): Uncertain significance. Review status: criteria provided, multiple submitters, no conflicts (2 of 4 stars). 4 submissions from 3 submitters: Uncertain significance (4). Last evaluated 2024-12-16.

Conditions:
Retinitis pigmentosa 39 (RP39). Identifiers: Orphanet 791, MedGen C3151138, MONDO:0013436, OMIM 613809.
Usher syndrome type 2A. Also called: RETINAL DISEASE IN USHER SYNDROME TYPE IIA, MODIFIER OF; USHER SYNDROME, TYPE IIA. Identifiers: Orphanet 231178, Orphanet 886, MedGen C1848634, MONDO:0010169, OMIM 276901.

Allele frequency attached by ClinVar (database versions not stated): TOPMed below 0.00001; gnomAD 0.00001; ExAC 0.00002; gnomAD exomes 0.00002.
gnomAD v4.1: 32 of 1,613,850 alleles (0.002%); highest among the groups gnomAD compares: Non-Finnish European, 0.0027%; no homozygotes.

Submissions (4):

Labcorp Genetics (formerly Invitae), Labcorp
Classification: Uncertain significance. Last evaluated: 2024-12-16. Review status: criteria provided, single submitter. Criteria: Invitae Variant Classification Sherloc (09022015). Collection method: clinical testing. Allele origin: germline.
Comment: This sequence change replaces cysteine, which is neutral and slightly polar, with glycine, which is neutral and non-polar, at codon 3323 of the USH2A protein (p.Cys3323Gly). This variant is present in population databases (rs766658893, gnomAD 0.004%). This missense change has been observed in individual(s) with retinitis pigmentosa (internal data). ClinVar contains an entry for this variant (Variation ID: 866742). Invitae Evidence Modeling of protein sequence and biophysical properties (such as structural, functional, and spatial information, amino acid conservation, physicochemical variation, residue mobility, and thermodynamic stability) indicates that this missense variant is expected to disrupt USH2A protein function with a positive predictive value of 95%. In summary, the available evidence is currently insufficient to determine the role of this variant in disease. Therefore, it has been classified as a Variant of Uncertain Significance.

Genome-Nilou Lab
Classification: Uncertain significance for Retinitis pigmentosa 39. Last evaluated: 2023-11-04. Review status: criteria provided, single submitter. Criteria: ACMG Guidelines, 2015. Collection method: clinical testing. Allele origin: germline. Affected: no.

Genome-Nilou Lab
Classification: Uncertain significance for Usher syndrome type 2A. Last evaluated: 2023-11-04. Review status: criteria provided, single submitter. Criteria: ACMG Guidelines, 2015. Collection method: clinical testing. Allele origin: germline. Affected: no.

Blueprint Genetics
Classification: Uncertain significance. Last evaluated: 2018-03-16. Review status: criteria provided, single submitter. Criteria: ACMG Guidelines, 2015. Collection method: clinical testing. Allele origin: germline.

NM_206933.4(USH2A):c.9967T>G (p.Cys3323Gly)

Gene: USH2A (usherin; minus strand). Cytogenetic location: 1q41.
Variant type: single nucleotide variant.
Coding change: c.9967T>G on transcript NM_206933.4 (MANE Select); coding-DNA position 9967, T replaced by G.
Protein change: p.Cys3323Gly; replaces cysteine 3323 with glycine.
Molecular consequence: missense variant.
Genome position (GRCh38, 1-based): chr1:215,790,274, A>C on the plus strand (T>G on the coding strand, the complement: USH2A is on the minus strand). VCF-style: chr1-215790274-A-C. GRCh37 (hg19) VCF-style: chr1-215963616-A-C.
Other names: short protein forms C3323G.
Identifiers: ClinVar variation 866742 (VCV000866742.11), dbSNP rs766658893, ClinGen allele CA1394159.